The following is an entry in ClinVar:

NM_000161.3(GCH1):c.289A>T (p.Arg97Trp)

Gene: GCH1 (GTP cyclohydrolase 1; minus strand). Cytogenetic location: 14q22.2.
Variant type: single nucleotide variant.
Coding change: c.289A>T on transcript NM_000161.3 (MANE Select); coding-DNA position 289, A replaced by T.
Protein change: p.Arg97Trp; replaces arginine 97 with tryptophan.
Molecular consequence: missense variant.
Genome position (GRCh38, 1-based): chr14:54,902,375, T>A on the plus strand (A>T on the coding strand, the complement: GCH1 is on the minus strand). VCF-style: chr14-54902375-T-A. GRCh37 (hg19) VCF-style: chr14-55369093-T-A.
Other names: c.289A>T, p.Arg97Trp (NM_001024024.2, NM_001024070.2, NM_001024071.2); short protein forms R97W.
Identifiers: ClinVar variation 1498426 (VCV001498426.8), dbSNP rs2140127094, ClinGen allele CA389793658.

ClinVar aggregate classification (germline): Uncertain significance (1 of 4 stars; one submission).

Conditions:
Dystonia 5 (DRD). Also called: GTP Cyclohydrolase 1-Deficient Dopa-Responsive Dystonia; Dystonia, DOPA-responsive, with or without hyperphenylalaninemia; DYSTONIA, PROGRESSIVE, WITH DIURNAL VARIATION; DYSTONIA-PARKINSONISM WITH DIURNAL FLUCTUATION; DYT-GCH1. Identifiers: Orphanet 98808, MedGen C1851920, MONDO:0007495, OMIM 128230.
GTP cyclohydrolase I deficiency. Identifiers: MedGen C0268467, MONDO:0100184.

Submission:

Labcorp Genetics (formerly Invitae), Labcorp
Classification: Uncertain significance for GTP cyclohydrolase I deficiency; Dystonia 5. Last evaluated: 2021-04-24. Review status: criteria provided, single submitter. Criteria: Invitae Variant Classification Sherloc (09022015). Collection method: clinical testing. Allele origin: germline.
Comment: This sequence change replaces arginine with tryptophan at codon 97 of the GCH1 protein (p.Arg97Trp). The arginine residue is highly conserved and there is a moderate physicochemical difference between arginine and tryptophan. This variant is not present in population databases (ExAC no frequency). This variant has not been reported in the literature in individuals with GCH1-related conditions. Algorithms developed to predict the effect of missense changes on protein structure and function are either unavailable or do not agree on the potential impact of this missense change (SIFT: "Deleterious"; PolyPhen-2: "Probably Damaging"; Align-GVGD: "Class C0"). Algorithms developed to predict the effect of sequence changes on RNA splicing suggest that this variant may create or strengthen a splice site, but this prediction has not been confirmed by published transcriptional studies. In summary, the available evidence is currently insufficient to determine the role of this variant in disease. Therefore, it has been classified as a Variant of Uncertain Significance.